The following is an entry in ClinVar:

NM_001374736.1(DST):c.14688G>A (p.Leu4896=)

Gene: DST (dystonin; minus strand). Cytogenetic location: 6p12.1.
Variant type: single nucleotide variant.
Coding change: c.14688G>A on transcript NM_001374736.1 (MANE Select); coding-DNA position 14688, G replaced by A.
Protein change: p.Leu4896=; no amino-acid change (leucine 4896 retained).
Molecular consequence: synonymous variant.
Genome position (GRCh38, 1-based): chr6:56,555,793, C>T on the plus strand (G>A on the coding strand, the complement: DST is on the minus strand). VCF-style: chr6-56555793-C-T. GRCh37 (hg19) VCF-style: chr6-56420591-C-T.
Other names: c.8331G>A (NM_001144769.2); c.8331G>A, p.Leu2777= (NM_001144769.5); c.7917G>A, p.Leu2639= (NM_001144770.2); c.14688G>A, p.Leu4896= (NM_001374722.1); c.14055G>A, p.Leu4685= (NM_001374729.1); c.7797G>A, p.Leu2599= (NM_001374730.1, NM_001386100.1, NM_183380.4); c.14715G>A, p.Leu4905= (NM_001374734.1); c.6819G>A, p.Leu2273= (NM_015548.5).
Identifiers: ClinVar variation 1105016 (VCV001105016.10), dbSNP rs370207289, ClinGen allele CA3867943.

ClinVar aggregate classification (germline): Likely benign. Review status: criteria provided, multiple submitters, no conflicts (2 of 4 stars). 2 submissions from 2 submitters: Likely benign (2). Last evaluated 2025-12-19.

Conditions:
DST-related disorder. Also called: DST-related condition; DST-related disorders.
Epidermolysis bullosa simplex 3, localized or generalized intermediate, with BP230 deficiency (EBS3). Also called: Epidermolysis bullosa simplex, autosomal recessive 2; Epidermolysis bullosa simplex due to BP230 deficiency. Identifiers: Orphanet 412181, MedGen C3809470, MONDO:0014180, OMIM 615425.
Hereditary sensory and autonomic neuropathy type 6. Also called: Neuropathy, hereditary sensory and autonomic, type VI; HSAN VI. Identifiers: Orphanet 314381, MedGen C3539003, MONDO:0013839, OMIM 614653.

Allele frequency attached by ClinVar (database versions not stated): gnomAD exomes 0.00005 and 0.00002; ExAC 0.00007; gnomAD 0.00017 and 0.00021; ESP Exome Variant Server 0.00025; TOPMed 0.00027.
gnomAD v4.1: 55 of 1,555,008 alleles (0.0035%); highest among the groups gnomAD compares: African/African-American, 0.068%; 1 homozygote.

Submissions (2):

Labcorp Genetics (formerly Invitae), Labcorp
Classification: Likely benign for Epidermolysis bullosa simplex 3, localized or generalized intermediate, with BP230 deficiency; Hereditary sensory and autonomic neuropathy type 6. Last evaluated: 2025-12-19. Review status: criteria provided, single submitter. Criteria: Invitae Variant Classification Sherloc (09022015). Collection method: clinical testing. Allele origin: germline.

PreventionGenetics, part of Exact Sciences
Classification: Likely benign for DST-related condition. Last evaluated: 2025-04-30. Review status: criteria provided, single submitter. Criteria: ACMG Guidelines, 2015. Collection method: clinical testing. Allele origin: germline.
Comment: This variant is classified as likely benign based on ACMG/AMP sequence variant interpretation guidelines (Richards et al. 2015 PMID: 25741868, with internal and published modifications).